The following is an entry in ClinVar:

ClinVar aggregate classification (germline): Conflicting classifications of pathogenicity. Review status: criteria provided, conflicting classifications (1 of 4 stars). 8 submissions from 8 submitters: Uncertain significance (7); Likely benign (1). Last evaluated 2025-06-23.

Conditions:
Hereditary cancer-predisposing syndrome. Also called: Neoplastic Syndromes, Hereditary; Tumor predisposition; Hereditary Cancer Syndrome; Hereditary neoplastic syndrome. Identifiers: Orphanet 140162, MedGen C0027672, MeSH D009386, MONDO:0015356.
Familial adenomatous polyposis 1 (FAP1). Also called: FAMILIAL ADENOMATOUS POLYPOSIS 1, ATTENUATED; POLYPOSIS, ADENOMATOUS INTESTINAL. Identifiers: MedGen C2713442, MONDO:0021056, OMIM 175100. Disease mechanism: loss of function.

Submissions (8):

Quest Diagnostics Nichols Institute San Juan Capistrano
Classification: Uncertain significance. Last evaluated: 2025-06-23. Review status: criteria provided, single submitter. Criteria: Quest Diagnostics criteria. Collection method: clinical testing. Allele origin: unknown.
Comment: The APC c.2422_2424del (p.Asp808del) variant has not been reported in individuals with APC-related conditions in the published literature. The frequency of this variant in the general population (Genome Aggregation Database) is uninformative in the assessment of its pathogenicity. Based on the available information, we are unable to determine the clinical significance of this variant.

Color Diagnostics, LLC DBA Color Health
Classification: Uncertain significance for Hereditary cancer-predisposing syndrome. Last evaluated: 2025-02-03. Review status: criteria provided, single submitter. Criteria: ACMG Guidelines, 2015. Collection method: clinical testing. Allele origin: germline.
Comment: This variant causes an in-frame deletion of one amino acid of the APC protein. To our knowledge, functional studies have not been reported for this variant. This variant has not been reported in individuals affected with APC-related disorders. This variant has been identified in 11/1614128 chromosomes in the general population by the Genome Aggregation Database (gnomAD). The available evidence is insufficient to determine the role of this variant in disease conclusively. Therefore, this variant is classified as a Variant of Uncertain Significance.

Labcorp Genetics (formerly Invitae), Labcorp
Classification: Uncertain significance for Familial adenomatous polyposis 1. Last evaluated: 2024-11-11. Review status: criteria provided, single submitter. Criteria: Invitae Variant Classification Sherloc (09022015). Collection method: clinical testing. Allele origin: germline.
Comment: This variant, c.2422_2424del, results in the deletion of 1 amino acid(s) of the APC protein (p.Asp808del), but otherwise preserves the integrity of the reading frame. This variant is present in population databases (rs779294628, gnomAD 0.003%). This variant has not been reported in the literature in individuals affected with APC-related conditions. ClinVar contains an entry for this variant (Variation ID: 141067). Experimental studies and prediction algorithms are not available or were not evaluated, and the functional significance of this variant is currently unknown. In summary, the available evidence is currently insufficient to determine the role of this variant in disease. Therefore, it has been classified as a Variant of Uncertain Significance.

Ambry Genetics
Classification: Likely benign for Hereditary cancer-predisposing syndrome. Last evaluated: 2024-03-14. Review status: criteria provided, single submitter. Criteria: Ambry Variant Classification Scheme 2023. Collection method: clinical testing. Allele origin: germline.

Baylor Genetics
Classification: Uncertain significance for Familial adenomatous polyposis 1. Last evaluated: 2023-09-20. Review status: criteria provided, single submitter. Criteria: ACMG Guidelines, 2015. Collection method: clinical testing. Allele origin: unknown.

Institute for Clinical Genetics, University Hospital TU Dresden, University Hospital TU Dresden
Classification: Uncertain significance. Last evaluated: 2021-11-03. Review status: criteria provided, single submitter. Criteria: ACMG Guidelines, 2015. Collection method: clinical testing. Allele origin: germline.

Women's Health and Genetics/Laboratory Corporation of America, LabCorp
Classification: Uncertain significance. Last evaluated: 2021-09-30. Review status: criteria provided, single submitter. Criteria: LabCorp Variant Classification Summary - May 2015. Collection method: clinical testing. Allele origin: germline.
Comment: Variant summary: APC c.2422_2424delGAT (p.Asp808del) results in an in-frame deletion that is predicted to remove a single amino acid from the encoded protein. The variant allele was found at a frequency of 8e-06 in 250868 control chromosomes. The available data on variant occurrences in the general population are insufficient to allow any conclusion about variant significance. To our knowledge, no occurrence of c.2422_2424delGAT in individuals affected with Familial Adenomatous Polyposis and no experimental evidence demonstrating its impact on protein function have been reported. Four clinical diagnostic laboratories have submitted clinical-significance assessments for this variant to ClinVar after 2014 without evidence for independent evaluation. All laboratories classified the variant as uncertain significance. Based on the evidence outlined above, the variant was classified as uncertain significance.

GeneDx
Classification: Uncertain significance. Last evaluated: 2016-08-30. Review status: criteria provided, single submitter. Criteria: GeneDx Variant Classification (06012015). Collection method: clinical testing. Allele origin: germline. Affected: yes.
Comment: This in-frame deletion of 3 nucleotides in APC is denoted c.2422_2424delGAT at the cDNA level and p.Asp808del (D808del) at the protein level. The normal sequence, with the bases that are deleted in braces, is TGAT[GAT]AATA. This deletion of a single Aspartic Acid residue occurs at a position where amino acids with properties similar to Aspartic Acid are tolerated across species and is not located in a known functional domain. This variant has not, to our knowledge, been published in the literature as pathogenic or benign. Since in-frame deletions may or may not inhibit proper protein functioning, the clinical significance of this finding remains unclear at this time and we consider APC Asp808del to be a variant of uncertain significance.

NM_000038.6(APC):c.2419GAT[1] (p.Asp808del)

Gene: APC (APC regulator of Wnt signaling pathway; plus strand). Cytogenetic location: 5q22.2.
Variant type: Microsatellite.
Coding change: c.2419GAT[1] on transcript NM_000038.6 (MANE Select); one copy of the 3-base unit GAT starting at c.2419; the reference has two copies in a row; one copy, 3 bases deleted; also written c.2422_2424del.
Protein change: p.Asp808del; deletes aspartic acid 808.
Molecular consequence: inframe deletion.
Genome position (GRCh38, 1-based): chr5:112,838,016-112,838,018, GAT deleted; deleting any 3 consecutive bases within chr5:112,838,011-112,838,018 gives the same sequence; the position shown is the placement nearest the transcript's 3' end. VCF-style (leftmost placement, unchanged base first): chr5-112838010-CATG-C. GRCh37 (hg19) VCF-style: chr5-112173707-CATG-C.
Other names: c.2419GAT[1], p.Asp808del (NM_001127510.3, NM_001354895.2); c.2365GAT[1], p.Asp790del (NM_001127511.3); c.2473GAT[1], p.Asp826del (NM_001354896.2); c.2449GAT[1], p.Asp818del (NM_001354897.2); c.2344GAT[1], p.Asp783del (NM_001354898.2); c.2335GAT[1], p.Asp780del (NM_001354899.2); c.2296GAT[1], p.Asp767del (NM_001354900.2); c.2242GAT[1], p.Asp749del (NM_001354901.2); and 6 more; short protein forms D790del, D808del, D648del, D749del, D783del, D818del, D826del, D682del.
Identifiers: ClinVar variation 141067 (VCV000141067.28), dbSNP rs587781469, ClinGen allele CA007462.